The following is an entry in ClinVar:

ClinVar aggregate classification (germline): Uncertain significance (1 of 4 stars; one submission).

Allele frequency attached by ClinVar (database versions not stated): gnomAD exomes 0.00001; ExAC 0.00002; gnomAD 0.00006; TOPMed 0.00008; 1000 Genomes Project 30x 0.00047; 1000 Genomes Project 0.00060.

Submission:

Labcorp Genetics (formerly Invitae), Labcorp
Classification: Uncertain significance. Last evaluated: 2025-06-24. Review status: criteria provided, single submitter. Criteria: Invitae Variant Classification Sherloc (09022015). Collection method: clinical testing. Allele origin: germline.
Comment: This sequence change replaces threonine, which is neutral and polar, with isoleucine, which is neutral and non-polar, at codon 721 of the SEMA4A protein (p.Thr721Ile). This variant is present in population databases (rs200722427, gnomAD 0.006%). This variant has not been reported in the literature in individuals affected with SEMA4A-related conditions. ClinVar contains an entry for this variant (Variation ID: 1907437). An algorithm developed to predict the effect of missense changes on protein structure and function (PolyPhen-2) suggests that this variant is likely to be tolerated. In summary, the available evidence is currently insufficient to determine the role of this variant in disease. Therefore, it has been classified as a Variant of Uncertain Significance.

NM_022367.4(SEMA4A):c.2162C>T (p.Thr721Ile)

Gene: SEMA4A (semaphorin 4A; plus strand). Cytogenetic location: 1q22.
Variant type: single nucleotide variant.
Coding change: c.2162C>T on transcript NM_022367.4 (MANE Select); coding-DNA position 2162, C replaced by T.
Protein change: p.Thr721Ile; replaces threonine 721 with isoleucine.
Molecular consequence: missense variant.
Genome position (GRCh38, 1-based): chr1:156,176,873, C>T. VCF-style: chr1-156176873-C-T. GRCh37 (hg19) VCF-style: chr1-156146664-C-T.
Other names: c.2162C>T, p.Thr721Ile (NM_001193300.2, NM_001193301.2, NM_001370567.1); c.1766C>T, p.Thr589Ile (NM_001193302.2); c.1865C>T, p.Thr622Ile (NM_001370568.1); c.1655C>T, p.Thr552Ile (NM_001370569.1, NM_001370571.1); short protein forms T552I, T589I, T622I, T721I.
Identifiers: ClinVar variation 1907437 (VCV001907437.5), dbSNP rs200722427, ClinGen allele CA1155538.